The following is an entry in ClinVar:

ClinVar aggregate classification (germline): Uncertain significance (1 of 4 stars; one submission).

Allele frequency attached by ClinVar (database versions not stated): gnomAD exomes 0.00001.

Submission:

Labcorp Genetics (formerly Invitae), Labcorp
Classification: Uncertain significance. Last evaluated: 2023-11-27. Review status: criteria provided, single submitter. Criteria: Invitae Variant Classification Sherloc (09022015). Collection method: clinical testing. Allele origin: germline.
Comment: This sequence change replaces alanine, which is neutral and non-polar, with threonine, which is neutral and polar, at codon 7 of the TBCK protein (p.Ala7Thr). This variant is present in population databases (no rsID available, gnomAD 0.007%). This variant has not been reported in the literature in individuals affected with TBCK-related conditions. ClinVar contains an entry for this variant (Variation ID: 2191489). Advanced modeling of protein sequence and biophysical properties (such as structural, functional, and spatial information, amino acid conservation, physicochemical variation, residue mobility, and thermodynamic stability) performed at Invitae indicates that this missense variant is not expected to disrupt TBCK protein function with a negative predictive value of 80%. In summary, the available evidence is currently insufficient to determine the role of this variant in disease. Therefore, it has been classified as a Variant of Uncertain Significance.

NM_001163435.3(TBCK):c.19G>A (p.Ala7Thr)

Gene: TBCK (TBC1 domain containing kinase; minus strand). Cytogenetic location: 4q24.
Variant type: single nucleotide variant.
Coding change: c.19G>A on transcript NM_001163435.3 (MANE Select); coding-DNA position 19, G replaced by A.
Protein change: p.Ala7Thr; replaces alanine 7 with threonine.
Molecular consequence: missense variant. On other transcripts: 5 prime UTR variant (1).
Genome position (GRCh38, 1-based): chr4:106,308,942, C>T on the plus strand (G>A on the coding strand, the complement: TBCK is on the minus strand). VCF-style: chr4-106308942-C-T. GRCh37 (hg19) VCF-style: chr4-107230099-C-T.
Other names: c.19G>A, p.Ala7Thr (NM_001163436.4, NM_001163437.3, NM_033115.5); c.-599G>A (NM_001290768.2); short protein forms A7T.
Identifiers: ClinVar variation 2191489 (VCV002191489.4), dbSNP rs1304880114, ClinGen allele CA357974253.